The following is an entry in ClinVar:

ClinVar aggregate classification (germline): Uncertain significance (1 of 4 stars; one submission).

Submission:

GeneDx
Classification: Uncertain significance. Last evaluated: 2022-12-12. Review status: criteria provided, single submitter. Criteria: GeneDx Variant Classification Process June 2021. Collection method: clinical testing. Allele origin: germline. Affected: yes.
Comment: Not observed at significant frequency in large population cohorts (gnomAD); In silico analysis supports that this missense variant does not alter protein structure/function; Has not been previously published as pathogenic or benign to our knowledge

NM_016030.6(TRAPPC12):c.2141C>A (p.Ala714Asp)

Genes: TRAPPC12 (trafficking protein particle complex subunit 12; plus strand), TRAPPC12-AS1 (TRAPPC12 antisense RNA 1; minus strand). Cytogenetic location: 2p25.3.
Variant type: single nucleotide variant.
Coding change: c.2141C>A on transcript NM_016030.6 (MANE Select); coding-DNA position 2141, C replaced by A.
Protein change: p.Ala714Asp; replaces alanine 714 with aspartic acid.
Molecular consequence: missense variant. On other transcripts: non-coding transcript variant (1).
Genome position (GRCh38, 1-based): chr2:3,479,394, C>A. VCF-style: chr2-3479394-C-A. GRCh37 (hg19) VCF-style: chr2-3483165-C-A.
Other names: c.2141C>A, p.Ala714Asp (NM_001321102.2); short protein forms A714D.
Identifiers: ClinVar variation 2504760 (VCV002504760.1), dbSNP rs2528870508, ClinGen allele CA345735183.